The following is an entry in ClinVar:

ClinVar aggregate classification (germline): Benign (3 of 4 stars; one submission).

Conditions:
Breast-ovarian cancer, familial, susceptibility to, 2 (BROVCA2). Also called: BRCA2 Hereditary Breast and Ovarian Cancer. Identifiers: Orphanet 145, MedGen C2675520, MONDO:0012933, OMIM 612555. Disease mechanism: loss of function.

Allele frequency attached by ClinVar (database versions not stated): gnomAD 0.00406 and 0.00438; TOPMed 0.00506; 1000 Genomes Project 0.00559; 1000 Genomes Project 30x 0.00609.

Submission:

Evidence-based Network for the Interpretation of Germline Mutant Alleles (ENIGMA)
Classification: Benign for Breast-ovarian cancer, familial 2. Last evaluated: 2015-01-12. Review status: reviewed by expert panel. Criteria: ENIGMA BRCA1/2 Classification Criteria (2015). Collection method: curation. Allele origin: germline.
Comment: Class 1 not pathogenic based on frequency >1% in an outbred sampleset. Frequency 0.02033 (African), derived from 1000 genomes (2012-04-30).

NM_000059.4(BRCA2):c.9257-4893T>C

Gene: BRCA2 (BRCA2 DNA repair associated; plus strand). Cytogenetic location: 13q13.1.
Variant type: single nucleotide variant.
Coding change: c.9257-4893T>C on transcript NM_000059.4 (MANE Select); 4893 bases into the intron before coding-DNA position 9257, T replaced by C.
Molecular consequence: intron variant.
Genome position (GRCh38, 1-based): chr13:32,389,796, T>C. VCF-style: chr13-32389796-T-C. GRCh37 (hg19) VCF-style: chr13-32963933-T-C.
Other names: IVS 24-4893T>C.
Identifiers: ClinVar variation 209886 (VCV000209886.1), dbSNP rs11571804, ClinGen allele CA276854.